The following is an entry in ClinVar:

NC_000004.11:g.(?_77082846)_(77102274_?)dup

Gene: SCARB2 (scavenger receptor class B member 2; minus strand). Cytogenetic location: 4q21.1.
Variant type: Duplication.
Identifiers: ClinVar variation 1011186 (VCV001011186.1).

ClinVar aggregate classification (germline): Uncertain significance (1 of 4 stars; one submission).

Conditions:
Progressive myoclonic epilepsy. Also called: Familial progressive myoclonic epilepsy; Myoclonus epilepsy; Progressive myoclonus epilepsy; Myoclonic Epilepsies, Progressive. Identifiers: Orphanet 308, Orphanet 98261, MedGen C0751778, MONDO:0020074.

Submission:

Labcorp Genetics (formerly Invitae), Labcorp
Classification: Uncertain significance for Progressive myoclonic epilepsy. Last evaluated: 2020-03-14. Review status: criteria provided, single submitter. Criteria: Invitae Variant Classification Sherloc (09022015). Collection method: clinical testing. Allele origin: germline.
Comment: This variant is a gross duplication of the genomic region encompassing exons 3-12 of the SCARB2 gene. The 5' boundary is likely confined to intron 2. The 3' end of this event is unknown as it extends beyond the assayed region for this gene and therefore may encompass additional genes. The exact location of this variant in the genome is unknown. This variant has not been reported in the literature in individuals with SCARB2-related disease. In summary, the available evidence is currently insufficient to determine the role of this variant in disease. Therefore, it has been classified as a Variant of Uncertain Significance.